The following is an entry in ClinVar:

NM_000152.5(GAA):c.1045A>G (p.Ser349Gly)

Gene: GAA (alpha glucosidase; plus strand). Cytogenetic location: 17q25.3.
Variant type: single nucleotide variant.
Coding change: c.1045A>G on transcript NM_000152.5 (MANE Select); coding-DNA position 1045, A replaced by G.
Protein change: p.Ser349Gly; replaces serine 349 with glycine.
Molecular consequence: missense variant.
Genome position (GRCh38, 1-based): chr17:80,108,379, A>G. VCF-style: chr17-80108379-A-G. GRCh37 (hg19) VCF-style: chr17-78082178-A-G.
Other names: c.1045A>G, p.Ser349Gly (NM_001079803.3, NM_001079804.3, NM_001406741.1 and 1 more transcripts); short protein forms S349G.
Identifiers: ClinVar variation 1775202 (VCV001775202.2), dbSNP rs1437656401, ClinGen allele CA401364715.
Genomic context (GRCh38, chr17:80,108,379, plus strand): 5'-AGCTGGAGGTCGACAGGTGGGATCCTGGATGTCTACATCTTCCTGGGCCCAGAGCCCAAG[A>G]GCGTGGTGCAGCAGTACCTGGACGTTGTGGGTAGGGCCTGCTCCCTGGCCGCGGCCCCCG-3'
Protein context (NP_000143.2, residues 339-359): VYIFLGPEPK[Ser349Gly]VVQQYLDVVG

ClinVar aggregate classification (germline): Uncertain significance (1 of 4 stars; one submission).

Conditions:
Cardiovascular phenotype. Identifiers: MedGen CN230736.

Submission:

Ambry Genetics
Classification: Uncertain significance for Cardiovascular phenotype. Last evaluated: 2021-07-18. Review status: criteria provided, single submitter. Criteria: Ambry Variant Classification Scheme 2023. Collection method: clinical testing. Allele origin: germline.
Comment: The p.S349G variant (also known as c.1045A>G), located in coding exon 5 of the GAA gene, results from an A to G substitution at nucleotide position 1045. The serine at codon 349 is replaced by glycine, an amino acid with similar properties. This amino acid position is conserved. In addition, the in silico prediction for this alteration is inconclusive. Since supporting evidence is limited at this time, the clinical significance of this alteration remains unclear.